The following is an entry in ClinVar:

ClinVar aggregate classification (germline): Uncertain significance (1 of 4 stars; one submission).

Submission:

GeneDx
Classification: Uncertain significance. Last evaluated: 2019-09-05. Review status: criteria provided, single submitter. Criteria: GeneDx Variant Classification Process June 2021. Collection method: clinical testing. Allele origin: germline. Affected: yes.
Comment: Not observed in large population cohorts (Lek et al., 2016); Has not been previously published as pathogenic or benign to our knowledge

NM_000146.4(FTL):c.358_375+6del

Gene: FTL (ferritin light chain; plus strand). Cytogenetic location: 19q13.33.
Variant type: Deletion.
Coding change: c.358_375+6del on transcript NM_000146.4 (MANE Select); coding-DNA position 358 through 6 bases into the intron after coding-DNA position 375, 24 bases deleted (GCCCGCACGGACCCCCATGTACGT).
Molecular consequence: splice donor variant.
Genome position (GRCh38, 1-based): chr19:48,966,389-48,966,412, GCCCGCACGGACCCCCATGTACGT deleted; deleting any 24 consecutive bases within chr19:48,966,388-48,966,412 gives the same sequence; the c. name uses the placement nearest the transcript's 3' end. VCF-style (leftmost placement, unchanged base first): chr19-48966387-CTGCCCGCACGGACCCCCATGTACG-C. GRCh37 (hg19) VCF-style: chr19-49469644-CTGCCCGCACGGACCCCCATGTACG-C.
Identifiers: ClinVar variation 1312046 (VCV001312046.2), dbSNP rs2122434504, ClinGen allele CA2573054805.